The following is an entry in ClinVar:

NM_001556.3(IKBKB):c.2041C>T (p.Leu681Phe)

Gene: IKBKB (inhibitor of nuclear factor kappa B kinase subunit beta; plus strand). Cytogenetic location: 8p11.21.
Variant type: single nucleotide variant.
Coding change: c.2041C>T on transcript NM_001556.3 (MANE Select); coding-DNA position 2041, C replaced by T.
Protein change: p.Leu681Phe; replaces leucine 681 with phenylalanine.
Molecular consequence: missense variant. On other transcripts: non-coding transcript variant (3).
Genome position (GRCh38, 1-based): chr8:42,326,024, C>T. VCF-style: chr8-42326024-C-T. GRCh37 (hg19) VCF-style: chr8-42183542-C-T.
Other names: c.1849C>T, p.Leu617Phe (NM_001190720.3); c.1864C>T, p.Leu622Phe (NM_001242778.2); short protein forms L617F, L622F, L681F.
Identifiers: ClinVar variation 2415205 (VCV002415205.8), dbSNP rs2487778506, ClinGen allele CA371093800.

ClinVar aggregate classification (germline): Uncertain significance (1 of 4 stars; one submission).

Conditions:
Severe combined immunodeficiency due to IKK2 deficiency. Also called: IMMUNODEFICIENCY 15B; Immunodeficiency 15. Identifiers: Orphanet 397787, MedGen C4747743, MONDO:0014267, OMIM 615592.

Submission:

Labcorp Genetics (formerly Invitae), Labcorp
Classification: Uncertain significance for Severe combined immunodeficiency due to IKK2 deficiency. Last evaluated: 2022-06-29. Review status: criteria provided, single submitter. Criteria: Invitae Variant Classification Sherloc (09022015). Collection method: clinical testing. Allele origin: germline.
Comment: Advanced modeling of protein sequence and biophysical properties (such as structural, functional, and spatial information, amino acid conservation, physicochemical variation, residue mobility, and thermodynamic stability) performed at Invitae indicates that this missense variant is not expected to disrupt IKBKB protein function. This variant has not been reported in the literature in individuals affected with IKBKB-related conditions. This variant is not present in population databases (gnomAD no frequency). This sequence change replaces leucine, which is neutral and non-polar, with phenylalanine, which is neutral and non-polar, at codon 681 of the IKBKB protein (p.Leu681Phe). In summary, the available evidence is currently insufficient to determine the role of this variant in disease. Therefore, it has been classified as a Variant of Uncertain Significance.